The following is an entry in ClinVar:

ClinVar aggregate classification (germline): Uncertain significance (1 of 4 stars; one submission).

Conditions:
Left-right axis malformations. Identifiers: MedGen C1866091.

Submission:

Labcorp Genetics (formerly Invitae), Labcorp
Classification: Uncertain significance for Left-right axis malformations. Last evaluated: 2023-09-09. Review status: criteria provided, single submitter. Criteria: Invitae Variant Classification Sherloc (09022015). Collection method: clinical testing. Allele origin: germline.
Comment: In summary, the available evidence is currently insufficient to determine the role of this variant in disease. Therefore, it has been classified as a Variant of Uncertain Significance. Experimental studies and prediction algorithms are not available or were not evaluated, and the functional significance of this variant is currently unknown. This variant has not been reported in the literature in individuals affected with LEFTY2-related conditions. This variant is present in population databases (no rsID available, gnomAD 0.003%). This sequence change creates a premature translational stop signal (p.Cys293*) in the LEFTY2 gene. While this is not anticipated to result in nonsense mediated decay, it is expected to disrupt the last 74 amino acid(s) of the LEFTY2 protein.

NM_003240.5(LEFTY2):c.879T>A (p.Cys293Ter)

Gene: LEFTY2 (left-right determination factor 2; minus strand). Cytogenetic location: 1q42.12.
Variant type: single nucleotide variant.
Coding change: c.879T>A on transcript NM_003240.5 (MANE Select); coding-DNA position 879, T replaced by A.
Protein change: p.Cys293Ter; replaces cysteine 293 with a stop codon.
Molecular consequence: nonsense.
Genome position (GRCh38, 1-based): chr1:225,937,663, A>T on the plus strand (T>A on the coding strand, the complement: LEFTY2 is on the minus strand). VCF-style: chr1-225937663-A-T. GRCh37 (hg19) VCF-style: chr1-226125363-A-T.
Other names: c.777T>A, p.Cys259Ter (NM_001172425.3); short protein forms C259*, C293*.
Identifiers: ClinVar variation 2904252 (VCV002904252.3), dbSNP rs780669060, ClinGen allele CA345013151.
Genomic context (GRCh38, chr1:225,937,663, plus strand): 5'-CGGCCCCAGAAATGGCCAATTGAAGGCCAGGGCCTCCGGGGGCTGCTGGCAGGTGCCCAC[A>T]CACTCGTAAGCCAGGAAGCCCGGGGGCTCCAGCACCCAGTTCTTGGCCCACTTCATCCCC-3'